The following is an entry in ClinVar:

ClinVar aggregate classification (germline): Uncertain significance (1 of 4 stars; one submission).

Conditions:
Hereditary sensory neuropathy-deafness-dementia syndrome. Also called: Hereditary sensory neuropathy type IE; HSN IE; NEUROPATHY, HEREDITARY SENSORY, WITH HEARING LOSS AND DEMENTIA; Hereditary Sensory and Autonomic Neuropathy Type 1E (HSAN1E). Identifiers: Orphanet 456318, MedGen C3279885, MONDO:0013584, OMIM 614116.

Submission:

Labcorp Genetics (formerly Invitae), Labcorp
Classification: Uncertain significance for Hereditary sensory neuropathy-deafness-dementia syndrome. Last evaluated: 2021-12-18. Review status: criteria provided, single submitter. Criteria: Invitae Variant Classification Sherloc (09022015). Collection method: clinical testing. Allele origin: germline.
Comment: In summary, the available evidence is currently insufficient to determine the role of this variant in disease. Therefore, it has been classified as a Variant of Uncertain Significance. Algorithms developed to predict the effect of missense changes on protein structure and function are either unavailable or do not agree on the potential impact of this missense change (SIFT: "Deleterious"; PolyPhen-2: "Benign"; Align-GVGD: "Class C0"). This variant has not been reported in the literature in individuals affected with DNMT1-related conditions. This variant is not present in population databases (gnomAD no frequency). This sequence change replaces proline, which is neutral and non-polar, with threonine, which is neutral and polar, at codon 971 of the DNMT1 protein (p.Pro971Thr).

NM_001130823.3(DNMT1):c.2911C>A (p.Pro971Thr)

Gene: DNMT1 (DNA methyltransferase 1; minus strand). Cytogenetic location: 19p13.2.
Variant type: single nucleotide variant.
Coding change: c.2911C>A on transcript NM_001130823.3 (MANE Select); coding-DNA position 2911, C replaced by A.
Protein change: p.Pro971Thr; replaces proline 971 with threonine.
Molecular consequence: missense variant.
Genome position (GRCh38, 1-based): chr19:10,143,971, G>T on the plus strand (C>A on the coding strand, the complement: DNMT1 is on the minus strand). VCF-style: chr19-10143971-G-T. GRCh37 (hg19) VCF-style: chr19-10254647-G-T.
Other names: c.2863C>A, p.Pro955Thr (NM_001318730.2, NM_001379.4); c.2548C>A, p.Pro850Thr (NM_001318731.2); short protein forms P955T, P850T, P971T.
Identifiers: ClinVar variation 1378008 (VCV001378008.8), dbSNP rs1328974927, ClinGen allele CA403976031.